The following is an entry in ClinVar:

ClinVar aggregate classification (germline): Uncertain significance (1 of 4 stars; one submission).

Conditions:
Renal cell carcinoma. Identifiers: Orphanet 217071, MedGen C0007134, MeSH D002292, MONDO:0005086, HP:0005584.

Submission:

Labcorp Genetics (formerly Invitae), Labcorp
Classification: Uncertain significance for Renal cell carcinoma. Last evaluated: 2024-11-14. Review status: criteria provided, single submitter. Criteria: Invitae Variant Classification Sherloc (09022015). Collection method: clinical testing. Allele origin: germline.
Comment: This sequence change replaces tyrosine, which is neutral and polar, with histidine, which is basic and polar, at codon 390 of the MET protein (p.Tyr390His). This variant is not present in population databases (gnomAD no frequency). This variant has not been reported in the literature in individuals affected with MET-related conditions. Invitae Evidence Modeling of protein sequence and biophysical properties (such as structural, functional, and spatial information, amino acid conservation, physicochemical variation, residue mobility, and thermodynamic stability) indicates that this missense variant is not expected to disrupt MET protein function with a negative predictive value of 80%. In summary, the available evidence is currently insufficient to determine the role of this variant in disease. Therefore, it has been classified as a Variant of Uncertain Significance.

NM_000245.4(MET):c.1168T>C (p.Tyr390His)

Gene: MET (MET proto-oncogene, receptor tyrosine kinase; plus strand). Cytogenetic location: 7q31.2.
Variant type: single nucleotide variant.
Coding change: c.1168T>C on transcript NM_000245.4 (MANE Select); coding-DNA position 1168, T replaced by C.
Protein change: p.Tyr390His; replaces tyrosine 390 with histidine.
Molecular consequence: missense variant. On other transcripts: intron variant (1).
Genome position (GRCh38, 1-based): chr7:116,700,252, T>C. VCF-style: chr7-116700252-T-C. GRCh37 (hg19) VCF-style: chr7-116340306-T-C.
Other names: c.1168T>C, p.Tyr390His (NM_001127500.3, NM_001324401.3); c.-91+27675T>C (NM_001324402.2); short protein forms Y390H.
Identifiers: ClinVar variation 3699689 (VCV003699689.2).